The following is an entry in ClinVar:

NM_000078.3(CETP):c.635C>A (p.Ala212Asp)

Genes: CETP (cholesteryl ester transfer protein; plus strand), LOC130059064 (ATAC-STARR-seq lymphoblastoid active region 10867; plus strand). Cytogenetic location: 16q13.
Variant type: single nucleotide variant.
Coding change: c.635C>A on transcript NM_000078.3 (MANE Select); coding-DNA position 635, C replaced by A.
Protein change: p.Ala212Asp; replaces alanine 212 with aspartic acid.
Molecular consequence: missense variant.
Genome position (GRCh38, 1-based): chr16:56,971,358, C>A. VCF-style: chr16-56971358-C-A. GRCh37 (hg19) VCF-style: chr16-57005270-C-A.
Other names: c.635C>A, p.Ala212Asp (NM_001286085.2); c.635C>A (NM_000078.2); short protein forms A212D.
Identifiers: ClinVar variation 3716673 (VCV003716673.3).

ClinVar aggregate classification (germline): Uncertain significance. Review status: criteria provided, multiple submitters, no conflicts (2 of 4 stars). 2 submissions from 2 submitters: Uncertain significance (2). Last evaluated 2025-01-10.

Submissions (2):

Ambry Genetics
Classification: Uncertain significance. Last evaluated: 2025-01-10. Review status: criteria provided, single submitter. Criteria: Ambry Variant Classification Scheme 2023. Collection method: clinical testing. Allele origin: germline.

Labcorp Genetics (formerly Invitae), Labcorp
Classification: Uncertain significance. Last evaluated: 2024-04-03. Review status: criteria provided, single submitter. Criteria: Invitae Variant Classification Sherloc (09022015). Collection method: clinical testing. Allele origin: germline.
Comment: This sequence change replaces alanine, which is neutral and non-polar, with aspartic acid, which is acidic and polar, at codon 212 of the CETP protein (p.Ala212Asp). This variant is present in population databases (rs368805891, gnomAD 0.004%). This variant has not been reported in the literature in individuals affected with CETP-related conditions. Advanced modeling of protein sequence and biophysical properties (such as structural, functional, and spatial information, amino acid conservation, physicochemical variation, residue mobility, and thermodynamic stability) performed at Invitae indicates that this missense variant is expected to disrupt CETP protein function with a positive predictive value of 80%. In summary, the available evidence is currently insufficient to determine the role of this variant in disease. Therefore, it has been classified as a Variant of Uncertain Significance.